The following is an entry in ClinVar:

NM_032638.5(GATA2):c.915_916del (p.Trp306fs)

Gene: GATA2 (GATA binding protein 2; minus strand). Cytogenetic location: 3q21.3.
Variant type: Microsatellite.
Coding change: c.915_916del on transcript NM_032638.5 (MANE Select); coding-DNA positions 915 to 916, 2 bases deleted (CT; older notation c.915_916delCT).
Protein change: p.Trp306fs; shifts the reading frame from tryptophan 306.
Molecular consequence: frameshift variant.
Genome position (GRCh38, 1-based): chr3:128,483,961-128,483,962, AG deleted on the plus strand (CT on the coding strand, the reverse complement: GATA2 is on the minus strand); deleting any 2 consecutive bases within chr3:128,483,961-128,483,966 gives the same sequence; the c. name uses the placement nearest the transcript's 3' end. VCF-style (leftmost placement, unchanged base first): chr3-128483960-CAG-C. GRCh37 (hg19) VCF-style: chr3-128202803-CAG-C.
Other names: c.915_916del, p.Trp306fs (NM_001145661.2, NM_001145662.1); short protein forms W306fs.
Identifiers: ClinVar variation 1184237 (VCV001184237.4), dbSNP rs2107670467, ClinGen allele CA645529133.

ClinVar aggregate classification (germline): Pathogenic. Review status: criteria provided, multiple submitters, no conflicts (2 of 4 stars). 2 submissions from 2 submitters: Pathogenic (2). Last evaluated 2021-12-07.

Conditions:
Deafness-lymphedema-leukemia syndrome. Also called: Emberger syndrome; Lymphedema, primary, with myelodysplasia. Identifiers: Orphanet 3226, MedGen C3279664, MONDO:0013540, OMIM 614038.
GATA2 deficiency with susceptibility to MDS/AML. Identifiers: MedGen CN300066, MONDO:0042982.

Submissions (2):

Revvity Omics, Revvity
Classification: Pathogenic. Last evaluated: 2021-12-07. Review status: criteria provided, single submitter. Criteria: ACMG Guidelines, 2015. Collection method: clinical testing. Allele origin: germline.

Molecular Pathology Research Laboratory, SA Pathology
Classification: Pathogenic for GATA2 deficiency with susceptibility to MDS/AML; Deafness-lymphedema-leukemia syndrome. Last evaluated: 2021-07-06. Review status: criteria provided, single submitter. Criteria: ACMG Guidelines, 2015. Collection method: curation. Allele origin: germline. Inheritance: Autosomal dominant inheritance. Affected: yes. Observed: 2 variant alleles.
Comment: PVS1, PS4_Moderate, PM2

Literature cited by the submitters: PubMed 29724903 (cited by Molecular Pathology Research Laboratory, SA Pathology); PubMed 33417088 (cited by Molecular Pathology Research Laboratory, SA Pathology).